The following is an entry in ClinVar:

ClinVar aggregate classification (germline): Pathogenic (1 of 4 stars; one submission).

Conditions:
Au-Kline syndrome. Also called: Okamoto syndrome; Neurodevelopmental disorder-craniofacial dysmorphism-cardiac defect-hip dysplasia syndrome due to a point mutation. Identifiers: Orphanet 2729, Orphanet 453499, Orphanet 453504, MedGen C4225274, MONDO:0014700, OMIM 616580.

Submission:

Victorian Clinical Genetics Services, Murdoch Childrens Research Institute
Classification: Pathogenic for Au-Kline syndrome. Last evaluated: 2023-07-17. Review status: criteria provided, single submitter. Criteria: ACMG Guidelines, 2015. Collection method: clinical testing. Allele origin: germline. Inheritance: Autosomal dominant inheritance. Affected: yes.
Comment: Based on the classification scheme VCGS_Germline_v1.3.4, this variant is classified as Pathogenic. Following criteria are met: 0102 - Loss of function is a known mechanism of disease in this gene and is associated with Au-Kline syndrome (MIM#616580). (I) 0107 - This gene is associated with autosomal dominant disease. (I) 0201 - Variant is predicted to cause nonsense-mediated decay (NMD) and loss of protein (premature termination codon is located at least 54 nucleotides upstream of the final exon-exon junction). (SP) 0251 - This variant is heterozygous. (I) 0301 - Variant is absent from gnomAD (both v2 and v3). (SP) 0701 - Other NMD predicted variants comparable to the one identified in this case have very strong previous evidence for pathogenicity (DECIPHER). (SP) 0807 - This variant has no previous evidence of pathogenicity. (I) 0905 - No published segregation evidence has been identified for this variant. (I) 1007 - No published functional evidence has been identified for this variant. (SP) Legend: (SP) - Supporting pathogenic, (I) - Information, (SB) - Supporting benign

NM_031263.4(HNRNPK):c.1122_1123insT (p.Gly375fs)

Gene: HNRNPK (heterogeneous nuclear ribonucleoprotein K; minus strand). Cytogenetic location: 9q21.32.
Variant type: Insertion.
Coding change: c.1122_1123insT on transcript NM_031263.4 (MANE Select); coding-DNA positions 1122 to 1123, T inserted.
Protein change: p.Gly375fs; shifts the reading frame from glycine 375.
Molecular consequence: frameshift variant.
Genome position: GRCh38 VCF-style: chr9-83970805-C-CA. GRCh37 (hg19) VCF-style: chr9-86585720-C-CA.
Other names: c.1050_1051insT, p.Gly351fs (NM_001318186.2, NM_001318187.2); c.1122_1123insT, p.Gly375fs (NM_001318188.2, NM_002140.5, NM_031262.4); short protein forms G351fs, G375fs.
Identifiers: ClinVar variation 3254786 (VCV003254786.1), dbSNP rs2491957120.